The following is an entry in ClinVar:

NM_001283009.2(RTEL1):c.1482-10C>T

Genes: RTEL1 (regulator of telomere elongation helicase 1; plus strand), RTEL1-TNFRSF6B (RTEL1-TNFRSF6B readthrough (NMD candidate); plus strand). Cytogenetic location: 20q13.33.
Variant type: single nucleotide variant.
Coding change: c.1482-10C>T on transcript NM_001283009.2 (MANE Select); 10 bases into the intron before coding-DNA position 1482, C replaced by T.
Molecular consequence: intron variant.
Genome position (GRCh38, 1-based): chr20:63,687,927, C>T. VCF-style: chr20-63687927-C-T. GRCh37 (hg19) VCF-style: chr20-62319280-C-T.
Other names: c.813-10C>T (NM_001283010.1); c.1554-10C>T (NM_032957.5); c.1482-10C>T (NM_016434.4).
Identifiers: ClinVar variation 2939144 (VCV002939144.3), dbSNP rs754623770, ClinGen allele CA2653857404.
Genomic context (GRCh38, chr20:63,687,927, plus strand): 5'-TCTCGGGCCTCGAGGGCTAAAGGGGTGCTGGTGCACTTCCCCACTGTCTGCTCCCTCTGG[C>T]CACGCTCAGCCCTTTCCCAGTCTGCCTGGAGAACCCACACATCATCGACAAGCACCAGAT-3'

ClinVar aggregate classification (germline): Uncertain significance (1 of 4 stars; one submission).

Conditions:
Pulmonary fibrosis and/or bone marrow failure, Telomere-related, 3. Also called: PULMONARY FIBROSIS AND/OR BONE MARROW FAILURE SYNDROME, TELOMERE-RELATED, 3. Identifiers: Orphanet 2032, MedGen C4225346, MONDO:0014613, OMIM 616373.
Dyskeratosis congenita, autosomal recessive 5 (DKCB5). Identifiers: MedGen C3554656, MONDO:0014076, OMIM 615190.

gnomAD v4.1: 1 of 1,611,694 alleles (0.000062%); highest among the groups gnomAD compares: South Asian, 0.0011%; no homozygotes.

Submission:

Labcorp Genetics (formerly Invitae), Labcorp
Classification: Uncertain significance for Dyskeratosis congenita, autosomal recessive 5; Pulmonary fibrosis and/or bone marrow failure, Telomere-related, 3. Last evaluated: 2023-01-20. Review status: criteria provided, single submitter. Criteria: Invitae Variant Classification Sherloc (09022015). Collection method: clinical testing. Allele origin: germline.
Comment: In summary, the available evidence is currently insufficient to determine the role of this variant in disease. Therefore, it has been classified as a Variant of Uncertain Significance. Algorithms developed to predict the effect of sequence changes on RNA splicing suggest that this variant may create or strengthen a splice site. This variant has not been reported in the literature in individuals affected with RTEL1-related conditions. This variant is not present in population databases (gnomAD no frequency). This sequence change falls in intron 17 of the RTEL1 gene. It does not directly change the encoded amino acid sequence of the RTEL1 protein.